The following is an entry in ClinVar:

NM_018718.3(CEP41):c.57G>T (p.Gln19His)

Gene: CEP41 (centrosomal protein 41; minus strand). Cytogenetic location: 7q32.2.
Variant type: single nucleotide variant.
Coding change: c.57G>T on transcript NM_018718.3 (MANE Select); coding-DNA position 57, G replaced by T.
Protein change: p.Gln19His; replaces glutamine 19 with histidine.
Molecular consequence: missense variant. On other transcripts: non-coding transcript variant (1).
Genome position (GRCh38, 1-based): chr7:130,427,995, C>A on the plus strand (G>T on the coding strand, the complement: CEP41 is on the minus strand). VCF-style: chr7-130427995-C-A. GRCh37 (hg19) VCF-style: chr7-130067836-C-A.
Other names: c.57G>T, p.Gln19His (NM_001257158.2, NM_001257159.2, NM_001257160.2); short protein forms Q19H.
Identifiers: ClinVar variation 2228303 (VCV002228303.2), dbSNP rs2536149362, ClinGen allele CA369287348.

ClinVar aggregate classification (germline): Uncertain significance (1 of 4 stars; one submission).

Conditions:
Inborn genetic diseases. Identifiers: MedGen C0950123, MeSH D030342.

gnomAD v4.1: 2 of 1,605,066 alleles (0.00012%); highest among the groups gnomAD compares: Non-Finnish European, 0.00017%; no homozygotes.

Submission:

Ambry Genetics
Classification: Uncertain significance for Inborn genetic diseases. Last evaluated: 2020-12-28. Review status: criteria provided, single submitter. Criteria: Ambry Variant Classification Scheme 2023. Collection method: clinical testing. Allele origin: germline.
Comment: The c.57G>T (p.Q19H) alteration is located in exon 2 (coding exon 2) of the CEP41 gene. This alteration results from a G to T substitution at nucleotide position 57, causing the glutamine (Q) at amino acid position 19 to be replaced by a histidine (H). The p.Q19H alteration is predicted to be tolerated by in silico analysis. Based on insufficient or conflicting evidence, the clinical significance of this alteration remains unclear.